The following is an entry in ClinVar:

ClinVar aggregate classification (germline): Likely benign. Review status: criteria provided, single submitter (1 of 4 stars). 2 submissions from 2 submitters: Likely benign (1). 1 of the submissions does not count toward it. Last evaluated 2024-03-27.

Conditions:
CTR9-related disorder. Also called: CTR9-related condition.

Allele frequency attached by ClinVar (database versions not stated): ExAC 0.00002; gnomAD exomes 0.00002; TOPMed 0.00003; gnomAD 0.00004.

Submissions (2):

Labcorp Genetics (formerly Invitae), Labcorp
Classification: Likely benign. Last evaluated: 2024-03-27. Review status: criteria provided, single submitter. Criteria: Invitae Variant Classification Sherloc (09022015). Collection method: clinical testing. Allele origin: germline.

PreventionGenetics, part of Exact Sciences
Classification: Likely benign for CTR9-related condition. Last evaluated: 2022-12-14. Review status: no assertion criteria provided. Collection method: clinical testing. Allele origin: germline. Not counted in ClinVar's aggregate classification.
Comment: This variant is classified as likely benign based on ACMG/AMP sequence variant interpretation guidelines (Richards et al. 2015 PMID: 25741868, with internal and published modifications).

NM_014633.5(CTR9):c.2226+8G>T

Gene: CTR9 (CTR9 component of Paf1/RNA polymerase II complex; plus strand). Cytogenetic location: 11p15.4.
Variant type: single nucleotide variant.
Coding change: c.2226+8G>T on transcript NM_014633.5 (MANE Select); 8 bases into the intron after coding-DNA position 2226, G replaced by T.
Molecular consequence: intron variant.
Genome position (GRCh38, 1-based): chr11:10,770,334, G>T. VCF-style: chr11-10770334-G-T. GRCh37 (hg19) VCF-style: chr11-10791881-G-T.
Other names: c.2226+8G>T (NM_001346279.2, NM_014633.4).
Identifiers: ClinVar variation 1345046 (VCV001345046.10), dbSNP rs756857732, ClinGen allele CA5885265.